The following is an entry in ClinVar:

ClinVar aggregate classification (germline): Uncertain significance (1 of 4 stars; one submission).

gnomAD v4.1: 5 of 1,485,588 alleles (0.00034%); highest among the groups gnomAD compares: East Asian, 0.0029%; no homozygotes.

Submission:

GeneDx
Classification: Uncertain significance. Last evaluated: 2024-04-11. Review status: criteria provided, single submitter. Criteria: GeneDx Variant Classification Process June 2021. Collection method: clinical testing. Allele origin: germline. Affected: yes.
Comment: Alters the Kozak sequence, which plays a major role in the initiation of translation; Not observed at significant frequency in large population cohorts (gnomAD); Has not been previously published as pathogenic or benign to our knowledge; Nucleotide is not conserved across species and the substitution has no predicted effect on splicing

NM_005477.3(HCN4):c.-4C>A

Gene: HCN4 (hyperpolarization activated cyclic nucleotide gated potassium channel 4; minus strand). Cytogenetic location: 15q24.1.
Variant type: single nucleotide variant.
Coding change: c.-4C>A on transcript NM_005477.3 (MANE Select); 4 bases upstream of the start codon, C replaced by A.
Molecular consequence: 5 prime UTR variant.
Genome position (GRCh38, 1-based): chr15:73,368,274, G>T on the plus strand (C>A on the coding strand, the complement: HCN4 is on the minus strand). VCF-style: chr15-73368274-G-T. GRCh37 (hg19) VCF-style: chr15-73660615-G-T.
Identifiers: ClinVar variation 3372363 (VCV003372363.1).